The following is an entry in ClinVar:

ClinVar aggregate classification (germline): Likely benign. Review status: criteria provided, multiple submitters, no conflicts (2 of 4 stars). 2 submissions from 2 submitters: Likely benign (2). Last evaluated 2025-07-27.

Conditions:
CEP164-related disorder. Also called: CEP164-related condition.
Nephronophthisis 15 (NPHP15). Identifiers: Orphanet 3156, MedGen C3541853, MONDO:0013917, OMIM 614845.

gnomAD v4.1: 5 of 1,614,040 alleles (0.00031%); highest among the groups gnomAD compares: African/African-American, 0.0013%; no homozygotes.

Submissions (2):

Labcorp Genetics (formerly Invitae), Labcorp
Classification: Likely benign for Nephronophthisis 15. Last evaluated: 2025-07-27. Review status: criteria provided, single submitter. Criteria: Invitae Variant Classification Sherloc (09022015). Collection method: clinical testing. Allele origin: germline.

PreventionGenetics, part of Exact Sciences
Classification: Likely benign for CEP164-related condition. Last evaluated: 2024-12-07. Review status: criteria provided, single submitter. Criteria: ACMG Guidelines, 2015. Collection method: clinical testing. Allele origin: germline.
Comment: This variant is classified as likely benign based on ACMG/AMP sequence variant interpretation guidelines (Richards et al. 2015 PMID: 25741868, with internal and published modifications).

NM_014956.5(CEP164):c.2785T>C (p.Leu929=)

Gene: CEP164 (centrosomal protein 164; plus strand). Cytogenetic location: 11q23.3.
Variant type: single nucleotide variant.
Coding change: c.2785T>C on transcript NM_014956.5 (MANE Select); coding-DNA position 2785, T replaced by C.
Protein change: p.Leu929=; no amino-acid change (leucine 929 retained).
Molecular consequence: synonymous variant.
Genome position (GRCh38, 1-based): chr11:117,394,944, T>C. VCF-style: chr11-117394944-T-C. GRCh37 (hg19) VCF-style: chr11-117265660-T-C.
Other names: c.2785T>C (NM_014956.4); c.2794T>C, p.Leu932= (NM_001271933.2, NM_001440949.1); c.2785T>C, p.Leu929= (NM_001440950.1, NM_001440951.1, NM_001440953.1); c.2620T>C, p.Leu874= (NM_001440952.1, NM_001440968.1, NM_001440969.1); c.2707T>C, p.Leu903= (NM_001440954.1, NM_001440955.1, NM_001440958.1 and 1 more transcripts); c.2698T>C, p.Leu900= (NM_001440956.1, NM_001440957.1); c.2656T>C, p.Leu886= (NM_001440960.1); c.2647T>C, p.Leu883= (NM_001440961.1, NM_001440967.1); and 8 more.
Identifiers: ClinVar variation 4745748 (VCV004745748.2).